The following is an entry in ClinVar:

NM_001374736.1(DST):c.528C>G (p.Thr176=)

Genes: DST (dystonin; minus strand), DST-AS1 (DST antisense RNA 1; plus strand). Cytogenetic location: 6p12.1.
Variant type: single nucleotide variant.
Coding change: c.528C>G on transcript NM_001374736.1 (MANE Select); coding-DNA position 528, C replaced by G.
Protein change: p.Thr176=; no amino-acid change (threonine 176 retained).
Molecular consequence: synonymous variant.
Genome position (GRCh38, 1-based): chr6:56,851,494, G>C on the plus strand (C>G on the coding strand, the complement: DST is on the minus strand). VCF-style: chr6-56851494-G-C. GRCh37 (hg19) VCF-style: chr6-56716292-G-C.
Other names: c.528C>G (NM_001144769.2); c.528C>G, p.Thr176= (NM_001144769.5, NM_001374722.1); c.114C>G, p.Thr38= (NM_001144770.2); c.555C>G, p.Thr185= (NM_001374734.1).
Identifiers: ClinVar variation 2656680 (VCV002656680.26), dbSNP rs375923442, ClinGen allele CA3871958.

ClinVar aggregate classification (germline): Likely benign. Review status: criteria provided, multiple submitters, no conflicts (2 of 4 stars). 3 submissions from 3 submitters: Likely benign (3). Last evaluated 2025-08-12.

Conditions:
DST-related disorder. Also called: DST-related condition; DST-related disorders.

Allele frequency attached by ClinVar (database versions not stated): ExAC 0.00028; ESP Exome Variant Server 0.00058; 1000 Genomes Project 0.00080; 1000 Genomes Project 30x 0.00094.
gnomAD v4.1: 212 of 1,614,064 alleles (0.013%); highest among the groups gnomAD compares: African/African-American, 0.23%; no homozygotes.

Submissions (3):

PreventionGenetics, part of Exact Sciences
Classification: Likely benign for DST-related condition. Last evaluated: 2025-08-12. Review status: criteria provided, single submitter. Criteria: ACMG Guidelines, 2015. Collection method: clinical testing. Allele origin: germline.
Comment: This variant is classified as likely benign based on ACMG/AMP sequence variant interpretation guidelines (Richards et al. 2015 PMID: 25741868, with internal and published modifications).

Blueprint Genetics
Classification: Likely benign. Last evaluated: 2024-05-28. Review status: criteria provided, single submitter. Criteria: ACMG Guidelines, 2015. Collection method: clinical testing. Allele origin: germline.

CeGaT Center for Human Genetics Tuebingen
Classification: Likely benign. Last evaluated: 2022-07-01. Review status: criteria provided, single submitter. Criteria: CeGaT Center For Human Genetics Tuebingen Variant Classification Criteria Version 2. Collection method: clinical testing. Allele origin: germline. Affected: yes. Observed: 1 variant allele.
Comment: DST: BP4, BP7